The following is an entry in ClinVar:

NM_003978.5(PSTPIP1):c.418-4_418-3del

Gene: PSTPIP1 (proline-serine-threonine phosphatase interacting protein 1; plus strand). Cytogenetic location: 15q24.3.
Variant type: Deletion.
Coding change: c.418-4_418-3del on transcript NM_003978.5 (MANE Select); 4 bases into the intron before coding-DNA position 418 through 3 bases into the intron before coding-DNA position 418, 2 bases deleted (CC; older notation c.418-4_418-3delCC).
Molecular consequence: intron variant.
Genome position (GRCh38, 1-based): chr15:77,028,550-77,028,551, CC deleted; deleting any 2 consecutive bases within chr15:77,028,547-77,028,551 gives the same sequence; the c. name uses the placement nearest the transcript's 3' end. VCF-style (leftmost placement, unchanged base first): chr15-77028546-ACC-A. GRCh37 (hg19) VCF-style: chr15-77320887-ACC-A.
Other names: c.418-4_418-3del (LRG_172t1, NM_001321135.2); c.613-4_613-3del (NM_001321137.1); c.391-4_391-3del (NM_001321136.2).
Identifiers: ClinVar variation 317173 (VCV000317173.8), dbSNP rs749862420, ClinGen allele CA7675818.

ClinVar aggregate classification (germline): Uncertain significance (1 of 4 stars; one submission).

Conditions:
Pyogenic arthritis-pyoderma gangrenosum-acne syndrome (PAPA). Also called: FAMILIAL RECURRENT ARTHRITIS; PAPA SYNDROME. Identifiers: Orphanet 69126, MedGen C1858361, MONDO:0011462, OMIM 604416.

Submission:

Labcorp Genetics (formerly Invitae), Labcorp
Classification: Uncertain significance for Pyogenic arthritis-pyoderma gangrenosum-acne syndrome. Last evaluated: 2022-11-01. Review status: criteria provided, single submitter. Criteria: Invitae Variant Classification Sherloc (09022015). Collection method: clinical testing. Allele origin: germline.
Comment: This sequence change falls in intron 6 of the PSTPIP1 gene. It does not directly change the encoded amino acid sequence of the PSTPIP1 protein. It affects a nucleotide within the consensus splice site. In summary, the available evidence is currently insufficient to determine the role of this variant in disease. Therefore, it has been classified as a Variant of Uncertain Significance. Variants that disrupt the consensus splice site are a relatively common cause of aberrant splicing (PMID: 17576681, 9536098). Algorithms developed to predict the effect of sequence changes on RNA splicing suggest that this variant may create or strengthen a splice site. This variant is present in population databases (rs749862420, gnomAD 0.007%). This variant has not been reported in the literature in individuals affected with PSTPIP1-related conditions. ClinVar contains an entry for this variant (Variation ID: 317173).

Literature cited by the submitters: PubMed 17576681; PubMed 9536098.